The following is an entry in ClinVar:

NM_004818.3(DDX23):c.1493G>T (p.Arg498Leu)

Gene: DDX23 (DEAD-box helicase 23; minus strand). Cytogenetic location: 12q13.12.
Variant type: single nucleotide variant.
Coding change: c.1493G>T on transcript NM_004818.3 (MANE Select); coding-DNA position 1493, G replaced by T.
Protein change: p.Arg498Leu; replaces arginine 498 with leucine.
Molecular consequence: missense variant.
Genome position (GRCh38, 1-based): chr12:48,834,387, C>A on the plus strand (G>T on the coding strand, the complement: DDX23 is on the minus strand). VCF-style: chr12-48834387-C-A. GRCh37 (hg19) VCF-style: chr12-49228170-C-A.
Other names: short protein forms R498L.
Identifiers: ClinVar variation 1676504 (VCV001676504.3), dbSNP rs1938434839, ClinGen allele CA384672254.

ClinVar aggregate classification (germline): Uncertain significance (1 of 4 stars; one submission).

Submission:

Greenwood Genetic Center Diagnostic Laboratories, Greenwood Genetic Center
Classification: Uncertain significance. Last evaluated: 2022-03-28. Review status: criteria provided, single submitter. Criteria: ACMG Guidelines, 2015. Collection method: clinical testing. Allele origin: germline. Affected: yes.
Comment: PM2